The following is an entry in ClinVar:

NM_000057.4(BLM):c.3286G>A (p.Gly1096Arg)

Gene: BLM (BLM RecQ like helicase; plus strand). Cytogenetic location: 15q26.1.
Variant type: single nucleotide variant.
Coding change: c.3286G>A on transcript NM_000057.4 (MANE Select); coding-DNA position 3286, G replaced by A.
Protein change: p.Gly1096Arg; replaces glycine 1096 with arginine.
Molecular consequence: missense variant.
Genome position (GRCh38, 1-based): chr15:90,798,265, G>A. VCF-style: chr15-90798265-G-A. GRCh37 (hg19) VCF-style: chr15-91341495-G-A.
Other names: c.3286G>A, p.Gly1096Arg (NM_001287246.2, NM_001287247.2); c.2161G>A, p.Gly721Arg (NM_001287248.2); c.3286G>A (NM_000057.2); short protein forms G1096R, G721R.
Identifiers: ClinVar variation 454134 (VCV000454134.18), dbSNP rs1334208387, ClinGen allele CA393847259.

ClinVar aggregate classification (germline): Uncertain significance. Review status: criteria provided, multiple submitters, no conflicts (2 of 4 stars). 3 submissions from 3 submitters: Uncertain significance (2). 1 of the submissions does not count toward it. Last evaluated 2025-10-13.

Conditions:
Hereditary cancer-predisposing syndrome. Also called: Hereditary Cancer Syndrome; Hereditary neoplastic syndrome; Neoplastic Syndromes, Hereditary; Tumor predisposition. Identifiers: Orphanet 140162, MedGen C0027672, MeSH D009386, MONDO:0015356.
Bloom syndrome (BLM). Also called: Bloom-Torre-Machacek syndrome. Identifiers: Orphanet 125, MedGen C0005859, MONDO:0008876, OMIM 210900.

Allele frequency attached by ClinVar (database versions not stated): gnomAD exomes below 0.00001; TOPMed 0.00001.
gnomAD v4.1: 3 of 1,611,924 alleles (0.00019%); highest among the groups gnomAD compares: East Asian, 0.0022%; no homozygotes.

Submissions (3):

Labcorp Genetics (formerly Invitae), Labcorp
Classification: Uncertain significance for Bloom syndrome. Last evaluated: 2025-10-13. Review status: criteria provided, single submitter. Criteria: Invitae Variant Classification Sherloc (09022015). Collection method: clinical testing. Allele origin: germline.
Comment: This sequence change replaces glycine, which is neutral and non-polar, with arginine, which is basic and polar, at codon 1096 of the BLM protein (p.Gly1096Arg). The frequency data for this variant in the population databases is considered unreliable, as metrics indicate poor data quality at this position in the gnomAD database. This variant has not been reported in the literature in individuals affected with BLM-related conditions. ClinVar contains an entry for this variant (Variation ID: 454134). Invitae Evidence Modeling of protein sequence and biophysical properties (such as structural, functional, and spatial information, amino acid conservation, physicochemical variation, residue mobility, and thermodynamic stability) indicates that this missense variant is not expected to disrupt BLM protein function with a negative predictive value of 80%. In summary, the available evidence is currently insufficient to determine the role of this variant in disease. Therefore, it has been classified as a Variant of Uncertain Significance.

Ambry Genetics
Classification: Uncertain significance for Hereditary cancer-predisposing syndrome. Last evaluated: 2025-06-26. Review status: criteria provided, single submitter. Criteria: Ambry Variant Classification Scheme 2023. Collection method: clinical testing. Allele origin: germline.

Natera, Inc.
Classification: Uncertain significance for Bloom syndrome. Last evaluated: 2021-04-20. Review status: no assertion criteria provided. Collection method: clinical testing. Allele origin: germline. Not counted in ClinVar's aggregate classification.